The following is an entry in ClinVar:

ClinVar aggregate classification (germline): Likely benign. Review status: criteria provided, multiple submitters, no conflicts (2 of 4 stars). 4 submissions from 4 submitters: Likely benign (4). Last evaluated 2025-12-24.

Conditions:
Hereditary cancer-predisposing syndrome. Also called: Tumor predisposition; Hereditary Cancer Syndrome; Neoplastic Syndromes, Hereditary; Hereditary neoplastic syndrome. Identifiers: Orphanet 140162, MedGen C0027672, MeSH D009386, MONDO:0015356.
Hereditary nonpolyposis colorectal neoplasms. Identifiers: MedGen C0009405, MeSH D003123.
Lynch syndrome 5 (LYNCH5). Also called: Hereditary non-polyposis colorectal cancer, type 5; Colorectal cancer, hereditary nonpolyposis, type 5. Identifiers: Orphanet 144, MedGen C1833477, MONDO:0013710, OMIM 614350. Disease mechanism: loss of function.

Submissions (4):

Labcorp Genetics (formerly Invitae), Labcorp
Classification: Likely benign for Hereditary nonpolyposis colorectal neoplasms. Last evaluated: 2025-12-24. Review status: criteria provided, single submitter. Criteria: Invitae Variant Classification Sherloc (09022015). Collection method: clinical testing. Allele origin: germline.

Myriad Genetics, Inc.
Classification: Likely benign for Lynch syndrome 5. Last evaluated: 2025-01-07. Review status: criteria provided, single submitter. Criteria: Myriad Autosomal Dominant, Autosomal Recessive and X-Linked Classification Criteria (2023). Collection method: clinical testing. Allele origin: unknown.
Comment: This variant is considered likely benign. This variant is intronic and is not expected to impact mRNA splicing.

Ambry Genetics
Classification: Likely benign for Hereditary cancer-predisposing syndrome. Last evaluated: 2023-06-08. Review status: criteria provided, single submitter. Criteria: Ambry Variant Classification Scheme 2023. Collection method: clinical testing. Allele origin: germline.

Color Diagnostics, LLC DBA Color Health
Classification: Likely benign for Hereditary cancer-predisposing syndrome. Last evaluated: 2018-01-19. Review status: criteria provided, single submitter. Criteria: ACMG Guidelines, 2015. Collection method: clinical testing. Allele origin: germline.

NM_000179.3(MSH6):c.3647-9_3647-5dup

Gene: MSH6 (mutS homolog 6; plus strand). Cytogenetic location: 2p16.3.
Variant type: Duplication.
Coding change: c.3647-9_3647-5dup on transcript NM_000179.3 (MANE Select); 9 bases into the intron before coding-DNA position 3647 through 5 bases into the intron before coding-DNA position 3647, 5 bases duplicated (CTTTA; older notation c.3647-9_3647-5dupCTTTA).
Molecular consequence: intron variant.
Genome position (GRCh38, 1-based): chr2:47,806,195-47,806,199, CTTTA duplicated; duplicating any 5 consecutive bases within chr2:47,806,191-47,806,199 gives the same sequence; the c. name uses the placement nearest the transcript's 3' end. VCF-style (leftmost placement, unchanged base first): chr2-47806190-T-TTTTAC. GRCh37 (hg19) VCF-style: chr2-48033329-T-TTTTAC.
Other names: c.2741-9_2741-5dup (NM_001281493.2, NM_001281494.2); c.3257-9_3257-5dup (NM_001281492.2); c.3647-9_3647-5dupCTTTA (NM_000179.2).
Identifiers: ClinVar variation 627849 (VCV000627849.13), dbSNP rs759094365, ClinGen allele CA913188010.